The following is an entry in ClinVar:

ClinVar aggregate classification (germline): Uncertain significance (1 of 4 stars; one submission).

Conditions:
Inborn genetic diseases. Identifiers: MedGen C0950123, MeSH D030342.

Submission:

Ambry Genetics
Classification: Uncertain significance for Inborn genetic diseases. Last evaluated: 2026-07-16. Review status: criteria provided, single submitter. Criteria: Ambry Variant Classification Scheme 2023. Collection method: clinical testing. Allele origin: germline.
Comment: The c.4682T>G (p.F1561C) alteration is located in exon 26 (coding exon 25) of the SCN8A gene. This alteration results from a T to G substitution at nucleotide position 4682, causing the phenylalanine (F) at amino acid position 1561 to be replaced by a cysteine (C). This variant was not reported in population-based cohorts in the Genome Aggregation Database (gnomAD). This amino acid position is highly conserved in available vertebrate species. This amino acid alteration is predicted to be deleterious by in silico analysis. In silico splice site analysis predicts that this nucleotide alteration will result in the creation or strengthening of a novel splice donor site. Based on insufficient or conflicting evidence, the clinical significance of this alteration remains unclear.

NM_001330260.2(SCN8A):c.4682T>G (p.Phe1561Cys)

Gene: SCN8A (sodium voltage-gated channel alpha subunit 8; plus strand). Cytogenetic location: 12q13.13.
Variant type: single nucleotide variant.
Coding change: c.4682T>G on transcript NM_001330260.2 (MANE Select); coding-DNA position 4682, T replaced by G.
Protein change: p.Phe1561Cys; replaces phenylalanine 1561 with cysteine.
Molecular consequence: missense variant.
Genome position (GRCh38, 1-based): chr12:51,794,528, T>G. VCF-style: chr12-51794528-T-G. GRCh37 (hg19) VCF-style: chr12-52188312-T-G.
Other names: c.4559T>G, p.Phe1520Cys (NM_001177984.3, NM_001369788.1); c.4682T>G, p.Phe1561Cys (NM_014191.4); short protein forms F1520C, F1561C.
Identifiers: ClinVar variation 5029164 (VCV005029164.1).
Genomic context (GRCh38, chr12:51,794,528, plus strand): 5'-TGGAGACAGACACTCAAAGCAAGCAGATGGAGAACATCCTCTACTGGATTAACCTGGTGT[T>G]TGTTATCTTCTTCACCTGTGAGTGTGTGCTCAAAATGTTTGCGTTGAGGCACTACTACTT-3'
Protein context (NP_001317189.1, residues 1551-1571): ENILYWINLV[Phe1561Cys]VIFFTCECVL